The following is an entry in ClinVar:

ClinVar aggregate classification (germline): Conflicting classifications of pathogenicity. Review status: criteria provided, conflicting classifications (1 of 4 stars). 5 submissions from 4 submitters: Uncertain significance (2); Likely benign (2). 1 of the submissions does not count toward it. Last evaluated 2024-10-01.

Conditions:
Cerebral cavernous malformation (CCM). Also called: CAVERNOUS ANGIOMA, FAMILIAL; CAVERNOUS ANGIOMATOUS MALFORMATIONS; CEREBRAL CAPILLARY MALFORMATIONS; Cerebral cavernous hemangioma (type); Cavernous Hemangioma of Brain; Cerebral cavernous malformations. Identifiers: Orphanet 221061, MedGen C2919945, MONDO:0000820, OMIM 116860, HP:0033522.
Angiokeratoma corporis diffusum with arteriovenous fistulas. Identifiers: MedGen C1838141, MONDO:0010885, OMIM 600419.
KRIT1-related disorder. Also called: KRIT1-related disorders; KRIT1-related condition.

Allele frequency attached by ClinVar (database versions not stated): ExAC 0.00003; gnomAD exomes 0.00006 and 0.00010; gnomAD 0.00009; TOPMed 0.00009; ESP Exome Variant Server 0.00015.
gnomAD v4.1: 146 of 1,600,566 alleles (0.0091%); highest among the groups gnomAD compares: Non-Finnish European, 0.011%; no homozygotes.

Submissions (5):

CeGaT Center for Human Genetics Tuebingen
Classification: Likely benign. Last evaluated: 2024-10-01. Review status: criteria provided, single submitter. Criteria: CeGaT Center For Human Genetics Tuebingen Variant Classification Criteria Version 2. Collection method: clinical testing. Allele origin: germline. Affected: yes. Observed: 1 variant allele.
Comment: KRIT1: BP4, BP7

Labcorp Genetics (formerly Invitae), Labcorp
Classification: Likely benign for Cerebral cavernous malformation. Last evaluated: 2024-02-14. Review status: criteria provided, single submitter. Criteria: Invitae Variant Classification Sherloc (09022015). Collection method: clinical testing. Allele origin: germline.

Illumina Laboratory Services, Illumina
Classification: Uncertain significance for Angiokeratoma corporis diffusum with arteriovenous fistulas. Last evaluated: 2018-01-12. Review status: criteria provided, single submitter. Criteria: ICSL Variant Classification Criteria 13 December 2019. Collection method: clinical testing. Allele origin: germline.

Illumina Laboratory Services, Illumina
Classification: Uncertain significance for Cerebral cavernous malformation. Last evaluated: 2018-01-12. Review status: criteria provided, single submitter. Criteria: ICSL Variant Classification Criteria 13 December 2019. Collection method: clinical testing. Allele origin: germline.

PreventionGenetics, part of Exact Sciences
Classification: Likely benign for KRIT1-related condition. Last evaluated: 2019-06-11. Review status: no assertion criteria provided. Collection method: clinical testing. Allele origin: germline. Not counted in ClinVar's aggregate classification.
Comment: This variant is classified as likely benign based on ACMG/AMP sequence variant interpretation guidelines (Richards et al. 2015 PMID: 25741868, with internal and published modifications).

NM_194454.3(KRIT1):c.2068T>C (p.Leu690=)

Gene: KRIT1 (KRIT1 ankyrin repeat containing; minus strand). Cytogenetic location: 7q21.2.
Variant type: single nucleotide variant.
Coding change: c.2068T>C on transcript NM_194454.3 (MANE Select); coding-DNA position 2068, T replaced by C.
Protein change: p.Leu690=; no amino-acid change (leucine 690 retained).
Molecular consequence: synonymous variant.
Genome position (GRCh38, 1-based): chr7:92,201,381, A>G on the plus strand (T>C on the coding strand, the complement: KRIT1 is on the minus strand). VCF-style: chr7-92201381-A-G. GRCh37 (hg19) VCF-style: chr7-91830695-A-G.
Other names: c.2068T>C, p.Leu690= (NM_194455.1, NM_194456.1, NM_001350672.1 and 26 more transcripts); c.1924T>C, p.Leu642= (NM_001013406.2, NM_001350669.1, NM_001350670.1); c.1354T>C, p.Leu452= (NM_001350671.1).
Identifiers: ClinVar variation 719853 (VCV000719853.25), dbSNP rs370766145, ClinGen allele CA4338961.